The following is an entry in ClinVar:

NM_032444.4(SLX4):c.3370A>G (p.Ile1124Val)

Gene: SLX4 (SLX4 structure-specific endonuclease subunit; minus strand). Cytogenetic location: 16p13.3.
Variant type: single nucleotide variant.
Coding change: c.3370A>G on transcript NM_032444.4 (MANE Select); coding-DNA position 3370, A replaced by G.
Protein change: p.Ile1124Val; replaces isoleucine 1124 with valine.
Molecular consequence: missense variant.
Genome position (GRCh38, 1-based): chr16:3,590,268, T>C on the plus strand (A>G on the coding strand, the complement: SLX4 is on the minus strand). VCF-style: chr16-3590268-T-C. GRCh37 (hg19) VCF-style: chr16-3640269-T-C.
Other names: c.3370A>G (LRG_503t1); short protein forms I1124V.
Identifiers: ClinVar variation 436780 (VCV000436780.11), dbSNP rs766081510, ClinGen allele CA7865928.

ClinVar aggregate classification (germline): Conflicting classifications of pathogenicity. Review status: criteria provided, conflicting classifications (1 of 4 stars). 4 submissions from 4 submitters: Uncertain significance (3); Likely benign (1). Last evaluated 2024-05-07.

Conditions:
Fanconi anemia complementation group P. Also called: SLX4-Related Fanconi Anemia. Identifiers: Orphanet 84, MedGen C3469542, MONDO:0013499, OMIM 613951.
Inborn genetic diseases. Identifiers: MedGen C0950123, MeSH D030342.
Fanconi anemia (FA). Also called: Fanconi's anemia. Identifiers: Orphanet 84, MedGen C0015625, MeSH D005199, MONDO:0019391.

Allele frequency attached by ClinVar (database versions not stated): TOPMed below 0.00001; gnomAD 0.00001 and 0.00002; gnomAD exomes 0.00005 and 0.00011; ExAC 0.00012.
gnomAD v4.1: 76 of 1,614,186 alleles (0.0047%); highest among the groups gnomAD compares: South Asian, 0.057%; no homozygotes.

Submissions (4):

Fulgent Genetics
Classification: Uncertain significance for Fanconi anemia complementation group P. Last evaluated: 2024-05-07. Review status: criteria provided, single submitter. Criteria: ACMG Guidelines, 2015. Collection method: clinical testing. Allele origin: germline.

Ambry Genetics
Classification: Likely benign for Inborn genetic diseases. Last evaluated: 2024-03-07. Review status: criteria provided, single submitter. Criteria: Ambry Variant Classification Scheme 2023. Collection method: clinical testing. Allele origin: germline.

Labcorp Genetics (formerly Invitae), Labcorp
Classification: Uncertain significance for Fanconi anemia. Last evaluated: 2024-01-20. Review status: criteria provided, single submitter. Criteria: Invitae Variant Classification Sherloc (09022015). Collection method: clinical testing. Allele origin: germline.
Comment: This sequence change replaces isoleucine, which is neutral and non-polar, with valine, which is neutral and non-polar, at codon 1124 of the SLX4 protein (p.Ile1124Val). This variant is present in population databases (rs766081510, gnomAD 0.08%). This variant has not been reported in the literature in individuals affected with SLX4-related conditions. ClinVar contains an entry for this variant (Variation ID: 436780). An algorithm developed to predict the effect of missense changes on protein structure and function (PolyPhen-2) suggests that this variant is likely to be disruptive. In summary, the available evidence is currently insufficient to determine the role of this variant in disease. Therefore, it has been classified as a Variant of Uncertain Significance.

Genetic Services Laboratory, University of Chicago
Classification: Uncertain significance. Last evaluated: 2016-06-03. Review status: criteria provided, single submitter. Criteria: ACMG Guidelines, 2015. Collection method: clinical testing. Allele origin: germline. Affected: no.